The following is an entry in ClinVar:

NM_004795.4(KL):c.*1347C>G

Gene: KL (klotho; plus strand). Cytogenetic location: 13q13.1.
Variant type: single nucleotide variant.
Coding change: c.*1347C>G on transcript NM_004795.4 (MANE Select); 1347 bases downstream of the stop codon, C replaced by G.
Molecular consequence: 3 prime UTR variant.
Genome position (GRCh38, 1-based): chr13:33,065,533, C>G. VCF-style: chr13-33065533-C-G. GRCh37 (hg19) VCF-style: chr13-33639670-C-G.
Identifiers: ClinVar variation 882004 (VCV000882004.5), dbSNP rs556051453, ClinGen allele CA247533990.
Genomic context (GRCh38, chr13:33,065,533, plus strand): 5'-GTCAATATTGTATCAGGCAAGATAAACCAATGTCATAACAGGCATTGCCAACCTCACTGA[C>G]ACAGGGTCATAGTGTATAATAATATACTGTACTATATAATATATCATCTTTAGAGGTATG-3'

ClinVar aggregate classification (germline): Likely benign. Review status: criteria provided, multiple submitters, no conflicts (2 of 4 stars). 2 submissions from 2 submitters: Likely benign (2). Last evaluated 2018-01-13.

Conditions:
Tumoral calcinosis, hyperphosphatemic, familial, 3. Identifiers: MedGen C4693864, MONDO:0060715, OMIM 617994.

Allele frequency attached by ClinVar (database versions not stated): 1000 Genomes Project 30x 0.00031; 1000 Genomes Project 0.00040; gnomAD 0.00137 and 0.00143; TOPMed 0.00154; gnomAD exomes 0.00194.

Submissions (2):

Illumina Laboratory Services, Illumina
Classification: Likely benign for Tumoral calcinosis, hyperphosphatemic, familial, 3. Last evaluated: 2018-01-13. Review status: criteria provided, single submitter. Criteria: ICSL Variant Classification Criteria 13 December 2019. Collection method: clinical testing. Allele origin: germline.
Comment: This variant was observed in the ICSL laboratory as part of a predisposition screen in an ostensibly healthy population. It had not been previously curated by ICSL or reported in the Human Gene Mutation Database (HGMD: prior to June 1st, 2018), and was therefore a candidate for classification through an automated scoring system. Utilizing variant allele frequency, disease prevalence and penetrance estimates, and inheritance mode, an automated score was calculated to assess if this variant is too frequent to cause the disease. Based on the score and internal cut-off values, a variant classified as likely benign is not then subjected to further curation. The score for this variant resulted in a classification of likely benign for this disease.

Breakthrough Genomics
Classification: Likely benign. Review status: criteria provided, single submitter. Criteria: ACMG Guidelines, 2015. Collection method: not provided. Allele origin: germline. Inheritance: Autosomal recessive inheritance. Affected: yes.